The following is an entry in ClinVar:

ClinVar aggregate classification (germline): Uncertain significance (1 of 4 stars; one submission).

Conditions:
Inborn genetic diseases. Identifiers: MedGen C0950123, MeSH D030342.

Submission:

Ambry Genetics
Classification: Uncertain significance for Inborn genetic diseases. Last evaluated: 2025-04-06. Review status: criteria provided, single submitter. Criteria: Ambry Variant Classification Scheme 2023. Collection method: clinical testing. Allele origin: germline.
Comment: The p.N527K variant (also known as c.1581C>A), located in coding exon 17 of the FANCA gene, results from a C to A substitution at nucleotide position 1581. The asparagine at codon 527 is replaced by lysine, an amino acid with similar properties. This amino acid position is conserved. In addition, this alteration is predicted to be tolerated by in silico analysis. Based on the available evidence, the clinical significance of this variant remains unclear.

NM_000135.4(FANCA):c.1581C>A (p.Asn527Lys)

Gene: FANCA (FA complementation group A; minus strand). Cytogenetic location: 16q24.3.
Variant type: single nucleotide variant.
Coding change: c.1581C>A on transcript NM_000135.4 (MANE Select); coding-DNA position 1581, C replaced by A.
Protein change: p.Asn527Lys; replaces asparagine 527 with lysine.
Molecular consequence: missense variant.
Genome position (GRCh38, 1-based): chr16:89,782,904, G>T on the plus strand (C>A on the coding strand, the complement: FANCA is on the minus strand). VCF-style: chr16-89782904-G-T. GRCh37 (hg19) VCF-style: chr16-89849312-G-T.
Other names: c.1581C>A, p.Asn527Lys (NM_001286167.3); short protein forms N527K.
Identifiers: ClinVar variation 4022160 (VCV004022160.1).